The following is an entry in ClinVar:

NM_003673.4(TCAP):c.152_153insAA (p.Tyr51Ter)

Gene: TCAP (titin-cap; plus strand). Cytogenetic location: 17q12.
Variant type: Insertion.
Coding change: c.152_153insAA on transcript NM_003673.4 (MANE Select); coding-DNA positions 152 to 153, AA inserted.
Protein change: p.Tyr51Ter; replaces tyrosine 51 with a stop codon.
Molecular consequence: nonsense.
Genome position: GRCh38 VCF-style: chr17-39665756-T-TAA. GRCh37 (hg19) VCF-style: chr17-37822009-T-TAA.
Other names: short protein forms Y51*.
Identifiers: ClinVar variation 4789023 (VCV004789023.1).

ClinVar aggregate classification (germline): Pathogenic (1 of 4 stars; one submission).

Conditions:
Hypertrophic cardiomyopathy 25 (CMH25). Also called: CARDIOMYOPATHY, FAMILIAL HYPERTROPHIC, 25. Identifiers: MedGen C4225408, MONDO:0011843, OMIM 607487.
Primary familial hypertrophic cardiomyopathy (HCM). Identifiers: Orphanet 99739, MedGen C0949658, MeSH D024741, MONDO:0024573. Inheritance: Various modes of inheritance.

Submission:

Labcorp Genetics (formerly Invitae), Labcorp
Classification: Pathogenic for Hypertrophic cardiomyopathy 25; Primary familial hypertrophic cardiomyopathy. Last evaluated: 2025-04-10. Review status: criteria provided, single submitter. Criteria: Invitae Variant Classification Sherloc (09022015). Collection method: clinical testing. Allele origin: germline.
Comment: This sequence change creates a premature translational stop signal (p.Tyr51*) in the TCAP gene. While this is not anticipated to result in nonsense mediated decay, it is expected to disrupt the last 117 amino acid(s) of the TCAP protein. This variant is not present in population databases (gnomAD no frequency). This variant has not been reported in the literature in individuals affected with TCAP-related conditions. This variant disrupts a region of the TCAP protein in which other variant(s) (p.Cys57*) have been determined to be pathogenic (internal data). This suggests that this is a clinically significant region of the protein, and that variants that disrupt it are likely to be disease-causing. For these reasons, this variant has been classified as Pathogenic.